The following is an entry in ClinVar:

NM_001271938.2(MEGF8):c.899A>G (p.Asp300Gly)

Gene: MEGF8 (multiple EGF like domains 8; plus strand). Cytogenetic location: 19q13.2.
Variant type: single nucleotide variant.
Coding change: c.899A>G on transcript NM_001271938.2 (MANE Select); coding-DNA position 899, A replaced by G.
Protein change: p.Asp300Gly; replaces aspartic acid 300 with glycine.
Molecular consequence: missense variant.
Genome position (GRCh38, 1-based): chr19:42,336,001, A>G. VCF-style: chr19-42336001-A-G. GRCh37 (hg19) VCF-style: chr19-42840153-A-G.
Other names: c.899A>G, p.Asp300Gly (NM_001410.3); c.899A>G (NM_001410.2); short protein forms D300G.
Identifiers: ClinVar variation 1517027 (VCV001517027.5), dbSNP rs535520607, ClinGen allele CA9474298.

ClinVar aggregate classification (germline): Uncertain significance. Review status: criteria provided, multiple submitters, no conflicts (2 of 4 stars). 3 submissions from 3 submitters: Uncertain significance (3). Last evaluated 2024-01-16.

Conditions:
MEGF8-related Carpenter syndrome. Also called: Carpenter syndrome 2. Identifiers: Orphanet 65759, MedGen C3554247, MONDO:0013998, OMIM 614976.

Allele frequency attached by ClinVar (database versions not stated): gnomAD 0.00001 and 0.00003; gnomAD exomes 0.00001 and 0.00006; TOPMed 0.00004; 1000 Genomes Project 30x 0.00016; 1000 Genomes Project 0.00020.
gnomAD v4.1: 31 of 1,542,182 alleles (0.002%); highest among the groups gnomAD compares: Middle Eastern, 0.067%; no homozygotes.

Submissions (3):

GeneDx
Classification: Uncertain significance. Last evaluated: 2024-01-16. Review status: criteria provided, single submitter. Criteria: GeneDx Variant Classification Process June 2021. Collection method: clinical testing. Allele origin: germline. Affected: yes.
Comment: In silico analysis supports that this missense variant has a deleterious effect on protein structure/function; Has not been previously published as pathogenic or benign to our knowledge

Labcorp Genetics (formerly Invitae), Labcorp
Classification: Uncertain significance for MEGF8-related Carpenter syndrome. Last evaluated: 2022-10-21. Review status: criteria provided, single submitter. Criteria: Invitae Variant Classification Sherloc (09022015). Collection method: clinical testing. Allele origin: germline.
Comment: This sequence change replaces aspartic acid, which is acidic and polar, with glycine, which is neutral and non-polar, at codon 300 of the MEGF8 protein (p.Asp300Gly). This variant is present in population databases (rs535520607, gnomAD 0.02%). This variant has not been reported in the literature in individuals affected with MEGF8-related conditions. ClinVar contains an entry for this variant (Variation ID: 1517027). Algorithms developed to predict the effect of missense changes on protein structure and function (SIFT, PolyPhen-2, Align-GVGD) all suggest that this variant is likely to be tolerated. In summary, the available evidence is currently insufficient to determine the role of this variant in disease. Therefore, it has been classified as a Variant of Uncertain Significance.

Breakthrough Genomics
Classification: Uncertain significance. Review status: criteria provided, single submitter. Criteria: ACMG Guidelines, 2015. Collection method: not provided. Allele origin: germline. Inheritance: Autosomal dominant inheritance. Affected: yes.